The following is an entry in ClinVar:

NM_001206744.2(TPO):c.1970T>C (p.Ile657Thr)

Genes: LALTOP (lung cancer associated lncRNA targeting TOP2A; minus strand), TPO (thyroid peroxidase; plus strand). Cytogenetic location: 2p25.3.
Variant type: single nucleotide variant.
Coding change: c.1970T>C on transcript NM_001206744.2 (MANE Select); coding-DNA position 1970, T replaced by C.
Protein change: p.Ile657Thr; replaces isoleucine 657 with threonine.
Molecular consequence: missense variant.
Genome position (GRCh38, 1-based): chr2:1,494,003, T>C. VCF-style: chr2-1494003-T-C. GRCh37 (hg19) VCF-style: chr2-1497775-T-C.
Other names: c.1970T>C, p.Ile657Thr (NM_000547.6, NM_175721.3); c.1799T>C, p.Ile600Thr (NM_001206745.2, NM_175719.4); c.1451T>C, p.Ile484Thr (NM_175722.3); short protein forms I484T, I600T, I657T.
Identifiers: ClinVar variation 2506222 (VCV002506222.1), dbSNP rs772340870, ClinGen allele CA1511900.

ClinVar aggregate classification (germline): Uncertain significance (1 of 4 stars; one submission).

Allele frequency attached by ClinVar (database versions not stated): gnomAD exomes 0.00001; ExAC 0.00002; TOPMed 0.00002; gnomAD 0.00003.
gnomAD v4.1: 14 of 1,613,994 alleles (0.00087%); highest among the groups gnomAD compares: Admixed American, 0.0067%; no homozygotes.

Submission:

Women's Health and Genetics/Laboratory Corporation of America, LabCorp
Classification: Uncertain significance. Last evaluated: 2023-05-08. Review status: criteria provided, single submitter. Criteria: LabCorp Variant Classification Summary - May 2015. Collection method: clinical testing. Allele origin: germline.
Comment: Variant summary: TPO c.1970T>C (p.Ile657Thr) results in a non-conservative amino acid change in the encoded protein sequence. Five of five in-silico tools predict a damaging effect of the variant on protein function. The variant allele was found at a frequency of 2.4e-05 in 251290 control chromosomes (gnomAD). The available data on variant occurrences in the general population are insufficient to allow any conclusion about variant significance. c.1970T>C has been reported in the literature in at least two compound heterozygous individuals affected with congenital hypothyroidism (e.g., Ma_2015, Narumi_2017 (meeting abstract)). These data indicate that the variant may be associated with disease. To our knowledge, no experimental evidence demonstrating an impact on protein function has been reported. The following publication was ascertained in the context of this evaluation (PMID: 26174974). No clinical diagnostic laboratories have submitted clinical-significance assessments for this variant to ClinVar after 2014. Based on the evidence outlined above, the variant was classified as VUS-possibly pathogenic.

Literature cited by the submitters: PubMed 26174974.